The following is an entry in ClinVar:

NM_000057.4(BLM):c.2675T>C (p.Ile892Thr)

Gene: BLM (BLM RecQ like helicase; plus strand). Cytogenetic location: 15q26.1.
Variant type: single nucleotide variant.
Coding change: c.2675T>C on transcript NM_000057.4 (MANE Select); coding-DNA position 2675, T replaced by C.
Protein change: p.Ile892Thr; replaces isoleucine 892 with threonine.
Molecular consequence: missense variant.
Genome position (GRCh38, 1-based): chr15:90,784,933, T>C. VCF-style: chr15-90784933-T-C. GRCh37 (hg19) VCF-style: chr15-91328163-T-C.
Other names: c.2675T>C, p.Ile892Thr (NM_001287246.2, NM_001287247.2); c.1550T>C, p.Ile517Thr (NM_001287248.2); short protein forms I892T, I517T.
Identifiers: ClinVar variation 4824943 (VCV004824943.1).

ClinVar aggregate classification (germline): Uncertain significance (1 of 4 stars; one submission).

Conditions:
Hereditary cancer-predisposing syndrome. Also called: Neoplastic Syndromes, Hereditary; Tumor predisposition; Hereditary Cancer Syndrome; Hereditary neoplastic syndrome. Identifiers: Orphanet 140162, MedGen C0027672, MeSH D009386, MONDO:0015356.

Submission:

Ambry Genetics
Classification: Uncertain significance for Hereditary cancer-predisposing syndrome. Last evaluated: 2026-02-16. Review status: criteria provided, single submitter. Criteria: Ambry Variant Classification Scheme 2023. Collection method: clinical testing. Allele origin: germline.
Comment: The p.I892T variant (also known as c.2675T>C), located in coding exon 13 of the BLM gene, results from a T to C substitution at nucleotide position 2675. The isoleucine at codon 892 is replaced by threonine, an amino acid with similar properties. This amino acid position is conserved. In addition, this alteration is predicted to be deleterious by in silico analysis. Based on the available evidence, the clinical significance of this variant remains unclear.